The following is an entry in ClinVar:

NC_000011.9:g.(?_108215207)_(108216339_?)del

Gene: ATM (ATM serine/threonine kinase; plus strand). Cytogenetic location: 11q22.3.
Variant type: Deletion.
Identifiers: ClinVar variation 1485109 (VCV001485109.4).

ClinVar aggregate classification (germline): Pathogenic (1 of 4 stars; one submission).

Conditions:
Ataxia-telangiectasia syndrome (AT). Also called: LOUIS-BAR SYNDROME; Ataxia-telangiectasia; Cerebello-oculocutaneous telangiectasia; Immunodeficiency with ataxia telangiectasia; ATAXIA-TELANGIECTASIA, COMPLEMENTATION GROUP A; ATAXIA-TELANGIECTASIA, FRESNO VARIANT. Identifiers: Orphanet 100, MedGen C0004135, MONDO:0008840, OMIM 208900.

Submission:

Labcorp Genetics (formerly Invitae), Labcorp
Classification: Pathogenic for Ataxia-telangiectasia syndrome. Last evaluated: 2023-12-29. Review status: criteria provided, single submitter. Criteria: Invitae Variant Classification Sherloc (09022015). Collection method: clinical testing. Allele origin: germline.
Comment: This sequence change falls in intron 57 of the ATM gene. It does not directly change the encoded amino acid sequence of the ATM protein. RNA analysis indicates that this variant induces altered splicing and may result in an absent or disrupted protein product. This variant has not been reported in the literature in individuals affected with ATM-related conditions. Studies have shown that this variant results in activation of a cryptic splice site and introduces a premature termination codon (Invitae). The resulting mRNA is expected to undergo nonsense-mediated decay. For these reasons, this variant has been classified as Pathogenic.